The following is an entry in ClinVar:

ClinVar aggregate classification (germline): Uncertain significance (1 of 4 stars; one submission).

gnomAD v4.1: 1 of 1,505,774 alleles (0.000066%); highest among the groups gnomAD compares: Non-Finnish European, 0.000088%; no homozygotes.

Submission:

Labcorp Genetics (formerly Invitae), Labcorp
Classification: Uncertain significance. Last evaluated: 2022-07-05. Review status: criteria provided, single submitter. Criteria: Invitae Variant Classification Sherloc (09022015). Collection method: clinical testing. Allele origin: germline.
Comment: This sequence change replaces proline, which is neutral and non-polar, with serine, which is neutral and polar, at codon 15 of the P3H2 protein (p.Pro15Ser). This variant is not present in population databases (gnomAD no frequency). This variant has not been reported in the literature in individuals affected with P3H2-related conditions. Algorithms developed to predict the effect of missense changes on protein structure and function are either unavailable or do not agree on the potential impact of this missense change (SIFT: "Deleterious"; PolyPhen-2: "Benign"; Align-GVGD: "Class C0"). In summary, the available evidence is currently insufficient to determine the role of this variant in disease. Therefore, it has been classified as a Variant of Uncertain Significance.

NM_018192.4(P3H2):c.43C>T (p.Pro15Ser)

Genes: P3H2 (prolyl 3-hydroxylase 2; minus strand), LOC123464484 (Sharpr-MPRA regulatory region 10063; plus strand). Cytogenetic location: 3q28.
Variant type: single nucleotide variant.
Coding change: c.43C>T on transcript NM_018192.4 (MANE Select); coding-DNA position 43, C replaced by T.
Protein change: p.Pro15Ser; replaces proline 15 with serine.
Molecular consequence: missense variant. On other transcripts: intron variant (1).
Genome position (GRCh38, 1-based): chr3:190,120,689, G>A on the plus strand (C>T on the coding strand, the complement: P3H2 is on the minus strand). VCF-style: chr3-190120689-G-A. GRCh37 (hg19) VCF-style: chr3-189838478-G-A.
Other names: c.-64+1514C>T (NM_001134418.2); short protein forms P15S.
Identifiers: ClinVar variation 2055535 (VCV002055535.4), dbSNP rs1180697514, ClinGen allele CA355860283.
Genomic context (GRCh38, chr3:190,120,689, plus strand): 5'-CCAGCTCCCGGCGTGGGCTGTCCGGGGGGCCGCCCCACAGTGGCGGCGGCAGTAGCAGCG[G>A]CAGCAGCAGCAGCAGCGGCGGCGCCCAGATGCGCTCCCGCATCCTCCGCCTCAGAGAGGC-3'
Protein context (NP_060662.2, residues 5-25): IWAPPLLLLL[Pro15Ser]LLLPPPLWGG